The following is an entry in ClinVar:

ClinVar aggregate classification (germline): Uncertain significance. Review status: criteria provided, multiple submitters, no conflicts (2 of 4 stars). 3 submissions from 3 submitters: Uncertain significance (3). Last evaluated 2024-03-18.

Conditions:
Retinal dystrophy. Also called: Inherited retinal dystrophy. Identifiers: Orphanet 71862, MedGen C0854723, MeSH D058499, MONDO:0019118, HP:0000556.
Inborn genetic diseases. Identifiers: MedGen C0950123, MeSH D030342.

Allele frequency attached by ClinVar (database versions not stated): gnomAD 0.00002 and 0.00003; gnomAD exomes 0.00003 and 0.00007; TOPMed 0.00004; ExAC 0.00007.

Submissions (3):

Ambry Genetics
Classification: Uncertain significance for Inborn genetic diseases. Last evaluated: 2024-03-18. Review status: criteria provided, single submitter. Criteria: Ambry Variant Classification Scheme 2023. Collection method: clinical testing. Allele origin: germline.

Dept Of Ophthalmology, Nagoya University
Classification: Uncertain significance for Retinal dystrophy. Last evaluated: 2023-10-01. Review status: criteria provided, single submitter. Criteria: Submitter's publication. Collection method: research. Allele origin: germline. Affected: yes.

Labcorp Genetics (formerly Invitae), Labcorp
Classification: Uncertain significance. Last evaluated: 2022-10-24. Review status: criteria provided, single submitter. Criteria: Invitae Variant Classification Sherloc (09022015). Collection method: clinical testing. Allele origin: germline.
Comment: This sequence change replaces glutamic acid, which is acidic and polar, with lysine, which is basic and polar, at codon 4671 of the USH2A protein (p.Glu4671Lys). This variant is present in population databases (rs769560933, gnomAD 0.05%). This missense change has been observed in individual(s) with USH2A-related conditions (Invitae). ClinVar contains an entry for this variant (Variation ID: 1411437). Advanced modeling of protein sequence and biophysical properties (such as structural, functional, and spatial information, amino acid conservation, physicochemical variation, residue mobility, and thermodynamic stability) performed at Invitae indicates that this missense variant is not expected to disrupt USH2A protein function. In summary, the available evidence is currently insufficient to determine the role of this variant in disease. Therefore, it has been classified as a Variant of Uncertain Significance.

NM_206933.4(USH2A):c.14011G>A (p.Glu4671Lys)

Gene: USH2A (usherin; minus strand). Cytogenetic location: 1q41.
Variant type: single nucleotide variant.
Coding change: c.14011G>A on transcript NM_206933.4 (MANE Select); coding-DNA position 14011, G replaced by A.
Protein change: p.Glu4671Lys; replaces glutamic acid 4671 with lysine.
Molecular consequence: missense variant.
Genome position (GRCh38, 1-based): chr1:215,671,094, C>T on the plus strand (G>A on the coding strand, the complement: USH2A is on the minus strand). VCF-style: chr1-215671094-C-T. GRCh37 (hg19) VCF-style: chr1-215844436-C-T.
Other names: c.14011G>A (NM_206933.2); short protein forms E4671K.
Identifiers: ClinVar variation 1411437 (VCV001411437.5), dbSNP rs769560933, ClinGen allele CA1393165.